The following is an entry in ClinVar:

ClinVar aggregate classification (germline): Likely pathogenic (1 of 4 stars; one submission).

Conditions:
Jaberi-Elahi syndrome. Also called: NEURODEVELOPMENTAL DISORDER WITH CHARACTERISTIC FACIAL AND ECTODERMAL FEATURES AND TETRAPARESIS 2. Identifiers: MedGen C4693848, MONDO:0060711, OMIM 617988.

Submission:

Clinical Genetics Laboratory, Van Research and Training Hospital
Classification: Likely pathogenic for Jaberi-Elahi syndrome. Last evaluated: 2026-02-12. Review status: criteria provided, single submitter. Criteria: ACMG Guidelines, 2015. Collection method: clinical testing. Allele origin: germline. Inheritance: Autosomal recessive inheritance. Affected: yes. Observed: 1 variant allele, 1 homozygote.
Comment: The c.1165_1166del (p.Leu389Glufs*26) variant in GTPBP2 has never been documented in the literature or genetic databases. This variant meets our criteria to be classified as likely pathogenic. Null variant (frame-shift) in gene GTPBP2, predicted to cause NMD. Loss-of-function is a known mechanism of disease (gene has 12 reported pathogenic LOF variants) (PVS1). Variant not found in gnomAD genomes and exomes; gnomAD genomes coverage = 31.0 and gnomAD exomes coverage = 30.6 (PM2).

NM_019096.5(GTPBP2):c.1165_1166del (p.Leu389fs)

Gene: GTPBP2 (GTP binding protein 2; minus strand). Cytogenetic location: 6p21.1.
Variant type: Deletion.
Coding change: c.1165_1166del on transcript NM_019096.5 (MANE Select); coding-DNA positions 1165 to 1166, 2 bases deleted (CT; older notation c.1165_1166delCT).
Protein change: p.Leu389fs; shifts the reading frame from leucine 389.
Molecular consequence: frameshift variant.
Genome position (GRCh38, 1-based): chr6:43,624,003-43,624,004, AG deleted on the plus strand (CT on the coding strand, the reverse complement: GTPBP2 is on the minus strand); deleting any 2 consecutive bases within chr6:43,624,003-43,624,005 gives the same sequence; the c. name uses the placement nearest the transcript's 3' end. VCF-style (leftmost placement, unchanged base first): chr6-43624002-CAG-C. GRCh37 (hg19) VCF-style: chr6-43591739-CAG-C.
Other names: c.901_902del, p.Leu301fs (NM_001286216.2); short protein forms L301fs, L389fs.
Identifiers: ClinVar variation 4795253 (VCV004795253.1).